The following is an entry in ClinVar:

ClinVar aggregate classification (germline): Uncertain significance (1 of 4 stars; one submission).

Conditions:
Developmental and epileptic encephalopathy 94 (DEE94). Also called: CHD2-Related Neurodevelopmental Disorders; Epileptic encephalopathy, childhood-onset. Identifiers: Orphanet 1942, Orphanet 2382, MedGen C3809278, MONDO:0014150, OMIM 615369.

gnomAD v4.1: 4 of 1,614,178 alleles (0.00025%); highest among the groups gnomAD compares: Non-Finnish European, 0.00034%; no homozygotes.

Submission:

Labcorp Genetics (formerly Invitae), Labcorp
Classification: Uncertain significance for Developmental and epileptic encephalopathy 94. Last evaluated: 2024-01-30. Review status: criteria provided, single submitter. Criteria: Invitae Variant Classification Sherloc (09022015). Collection method: clinical testing. Allele origin: germline.
Comment: This sequence change replaces histidine, which is basic and polar, with arginine, which is basic and polar, at codon 49 of the CHD2 protein (p.His49Arg). This variant is not present in population databases (gnomAD no frequency). This variant has not been reported in the literature in individuals affected with CHD2-related conditions. Advanced modeling of protein sequence and biophysical properties (such as structural, functional, and spatial information, amino acid conservation, physicochemical variation, residue mobility, and thermodynamic stability) performed at Invitae indicates that this missense variant is not expected to disrupt CHD2 protein function with a negative predictive value of 95%. In summary, the available evidence is currently insufficient to determine the role of this variant in disease. Therefore, it has been classified as a Variant of Uncertain Significance.

NM_001271.4(CHD2):c.146A>G (p.His49Arg)

Gene: CHD2 (chromodomain helicase DNA binding protein 2; plus strand). Cytogenetic location: 15q26.1.
Variant type: single nucleotide variant.
Coding change: c.146A>G on transcript NM_001271.4 (MANE Select); coding-DNA position 146, A replaced by G.
Protein change: p.His49Arg; replaces histidine 49 with arginine.
Molecular consequence: missense variant.
Genome position (GRCh38, 1-based): chr15:92,924,404, A>G. VCF-style: chr15-92924404-A-G. GRCh37 (hg19) VCF-style: chr15-93467634-A-G.
Other names: c.146A>G, p.His49Arg (NM_001042572.3); short protein forms H49R.
Identifiers: ClinVar variation 3679642 (VCV003679642.2).